The following is an entry in ClinVar:

NM_003612.5(SEMA7A):c.1912G>A (p.Glu638Lys)

Gene: SEMA7A (semaphorin 7A (JohnMiltonHagen blood group); minus strand). Cytogenetic location: 15q24.1.
Variant type: single nucleotide variant.
Coding change: c.1912G>A on transcript NM_003612.5 (MANE Select); coding-DNA position 1912, G replaced by A.
Protein change: p.Glu638Lys; replaces glutamic acid 638 with lysine.
Molecular consequence: missense variant.
Genome position (GRCh38, 1-based): chr15:74,410,713, C>T on the plus strand (G>A on the coding strand, the complement: SEMA7A is on the minus strand). VCF-style: chr15-74410713-C-T. GRCh37 (hg19) VCF-style: chr15-74703054-C-T.
Other names: c.1870G>A, p.Glu624Lys (NM_001146029.3); c.1417G>A, p.Glu473Lys (NM_001146030.3); short protein forms E473K, E624K, E638K.
Identifiers: ClinVar variation 2645539 (VCV002645539.24), dbSNP rs868351238, ClinGen allele CA272783439.

ClinVar aggregate classification (germline): Uncertain significance (1 of 4 stars; one submission).

Allele frequency attached by ClinVar (database versions not stated): gnomAD exomes 0.00001; TOPMed 0.00001; gnomAD 0.00002.
gnomAD v4.1: 24 of 1,613,526 alleles (0.0015%); highest among the groups gnomAD compares: Middle Eastern, 0.016%; no homozygotes.

Submission:

CeGaT Center for Human Genetics Tuebingen
Classification: Uncertain significance. Last evaluated: 2023-09-01. Review status: criteria provided, single submitter. Criteria: CeGaT Center For Human Genetics Tuebingen Variant Classification Criteria Version 2. Collection method: clinical testing. Allele origin: germline. Affected: yes. Observed: 1 variant allele.
Comment: SEMA7A: PM2, BP4